The following is an entry in ClinVar:

ClinVar aggregate classification (germline): Uncertain significance (1 of 4 stars; one submission).

Conditions:
Marshall syndrome (MRSHS). Identifiers: Orphanet 560, MedGen C0265235, MONDO:0007949, OMIM 154780.

Submission:

3billion
Classification: Uncertain significance for Marshall syndrome. Review status: criteria provided, single submitter. Criteria: ACMG Guidelines, 2015. Collection method: clinical testing. Allele origin: unknown. Affected: yes. Observed: 1 heterozygote.
Comment: The missense variant is not observed in the gnomAD v2.1.1 dataset. In silico tool predictions suggest damaging effect of the variant on gene or gene product (REVEL: 0.94; 3Cnet: 0.96). A different missense change at the the same codon (p.Gly1531Ala) has been reported to be associated with COL11A1-related disorder (ClinVar ID: VCV001492520). However, the evidence of pathogenicity is insufficient at this time. Therefore, this variant is classified as Uncertain significance according to the recommendation of ACMG/AMP guideline.

NM_001854.4(COL11A1):c.4591G>C (p.Gly1531Arg)

Gene: COL11A1 (collagen type XI alpha 1 chain; minus strand). Cytogenetic location: 1p21.1.
Variant type: single nucleotide variant.
Coding change: c.4591G>C on transcript NM_001854.4 (MANE Select); coding-DNA position 4591, G replaced by C.
Protein change: p.Gly1531Arg; replaces glycine 1531 with arginine.
Molecular consequence: missense variant. On other transcripts: non-coding transcript variant (1).
Genome position (GRCh38, 1-based): chr1:102,888,594, C>G on the plus strand (G>C on the coding strand, the complement: COL11A1 is on the minus strand). VCF-style: chr1-102888594-C-G. GRCh37 (hg19) VCF-style: chr1-103354150-C-G.
Other names: c.4243G>C, p.Gly1415Arg (NM_001168249.1, NM_080630.4); c.4474G>C, p.Gly1492Arg (NM_001190709.2); c.4627G>C, p.Gly1543Arg (NM_080629.3); short protein forms G1415R, G1492R, G1531R, G1543R.
Identifiers: ClinVar variation 2572572 (VCV002572572.1), dbSNP rs2524242947, ClinGen allele CA341212287.